The following is an entry in ClinVar:

ClinVar aggregate classification (germline): Uncertain significance (1 of 4 stars; one submission).

Conditions:
Inborn genetic diseases. Identifiers: MedGen C0950123, MeSH D030342.

gnomAD v4.1: 1 of 1,608,146 alleles (0.000062%); highest among the groups gnomAD compares: Non-Finnish European, 0.000085%; no homozygotes.

Submission:

Ambry Genetics
Classification: Uncertain significance for Inborn genetic diseases. Last evaluated: 2025-09-01. Review status: criteria provided, single submitter. Criteria: Ambry Variant Classification Scheme 2023. Collection method: clinical testing. Allele origin: germline.
Comment: The p.L293V variant (also known as c.877C>G), located in coding exon 7 of the BMPR2 gene, results from a C to G substitution at nucleotide position 877. The leucine at codon 293 is replaced by valine, an amino acid with highly similar properties. This amino acid position is conserved. In addition, this alteration is predicted to be tolerated by in silico analysis. Based on the available evidence, the clinical significance of this variant remains unclear.

NM_001204.7(BMPR2):c.877C>G (p.Leu293Val)

Gene: BMPR2 (bone morphogenetic protein receptor type 2; plus strand). Cytogenetic location: 2q33.2.
Variant type: single nucleotide variant.
Coding change: c.877C>G on transcript NM_001204.7 (MANE Select); coding-DNA position 877, C replaced by G.
Protein change: p.Leu293Val; replaces leucine 293 with valine.
Molecular consequence: missense variant.
Genome position (GRCh38, 1-based): chr2:202,520,111, C>G. VCF-style: chr2-202520111-C-G. GRCh37 (hg19) VCF-style: chr2-203384834-C-G.
Other names: short protein forms L293V.
Identifiers: ClinVar variation 4214550 (VCV004214550.1).